The following is an entry in ClinVar:

ClinVar aggregate classification (germline): Uncertain significance. Review status: criteria provided, multiple submitters, no conflicts (2 of 4 stars). 2 submissions from 2 submitters: Uncertain significance (2). Last evaluated 2025-07-09.

Allele frequency attached by ClinVar (database versions not stated): gnomAD exomes 0.00004; ExAC 0.00005; TOPMed 0.00006; gnomAD 0.00007.
gnomAD v4.1: 76 of 1,613,790 alleles (0.0047%); highest among the groups gnomAD compares: Non-Finnish European, 0.0057%; no homozygotes.

Submissions (2):

Labcorp Genetics (formerly Invitae), Labcorp
Classification: Uncertain significance. Last evaluated: 2025-07-09. Review status: criteria provided, single submitter. Criteria: Invitae Variant Classification Sherloc (09022015). Collection method: clinical testing. Allele origin: germline.
Comment: This sequence change replaces leucine, which is neutral and non-polar, with valine, which is neutral and non-polar, at codon 690 of the KANK4 protein (p.Leu690Val). This variant is present in population databases (rs775244501, gnomAD 0.008%). This variant has not been reported in the literature in individuals affected with KANK4-related conditions. ClinVar contains an entry for this variant (Variation ID: 2191023). An algorithm developed to predict the effect of missense changes on protein structure and function outputs the following: PolyPhen-2: "Benign". The valine amino acid residue is found in multiple mammalian species, which suggests that this missense change does not adversely affect protein function. In summary, the available evidence is currently insufficient to determine the role of this variant in disease. Therefore, it has been classified as a Variant of Uncertain Significance.

Ambry Genetics
Classification: Uncertain significance. Last evaluated: 2025-02-10. Review status: criteria provided, single submitter. Criteria: Ambry Variant Classification Scheme 2023. Collection method: clinical testing. Allele origin: germline.

NM_181712.5(KANK4):c.2068T>G (p.Leu690Val)

Gene: KANK4 (KN motif and ankyrin repeat domains 4; minus strand). Cytogenetic location: 1p31.3.
Variant type: single nucleotide variant.
Coding change: c.2068T>G on transcript NM_181712.5 (MANE Select); coding-DNA position 2068, T replaced by G.
Protein change: p.Leu690Val; replaces leucine 690 with valine.
Molecular consequence: missense variant.
Genome position (GRCh38, 1-based): chr1:62,268,450, A>C on the plus strand (T>G on the coding strand, the complement: KANK4 is on the minus strand). VCF-style: chr1-62268450-A-C. GRCh37 (hg19) VCF-style: chr1-62734122-A-C.
Other names: c.2068T>G (NM_181712.4); c.184T>G, p.Leu62Val (NM_001320269.2); short protein forms L62V, L690V.
Identifiers: ClinVar variation 2191023 (VCV002191023.5), dbSNP rs775244501, ClinGen allele CA884222.
Genomic context (GRCh38, chr1:62,268,450, plus strand): 5'-CATCTTTGACATGCTTGTGATCTGGGCCGTCACACTTCTTCTCTGCCTCGCTGTCAGACA[A>C]GTCCTCTGGGGTGCTGTCCTCACCGCTGGTCTCCTCACTTGAGGTGGTCTCATACCTGGG-3'
Protein context (NP_859063.3, residues 680-700): TSGEDSTPED[Leu690Val]SDSEAEKKCD